The following is an entry in ClinVar:

NM_016239.4(MYO15A):c.9103T>C (p.Ser3035Pro)

Gene: MYO15A (myosin XVA; plus strand). Cytogenetic location: 17p11.2.
Variant type: single nucleotide variant.
Coding change: c.9103T>C on transcript NM_016239.4 (MANE Select); coding-DNA position 9103, T replaced by C.
Protein change: p.Ser3035Pro; replaces serine 3035 with proline.
Molecular consequence: missense variant.
Genome position (GRCh38, 1-based): chr17:18,158,944, T>C. VCF-style: chr17-18158944-T-C. GRCh37 (hg19) VCF-style: chr17-18062258-T-C.
Other names: short protein forms S3035P.
Identifiers: ClinVar variation 2579818 (VCV002579818.1), dbSNP rs2046732039, ClinGen allele CA398633130.

ClinVar aggregate classification (germline): Uncertain significance (1 of 4 stars; one submission).

Allele frequency attached by ClinVar (database versions not stated): gnomAD exomes below 0.00001.
gnomAD v4.1: 1 of 1,614,078 alleles (0.000062%); highest among the groups gnomAD compares: Admixed American, 0.0017%; no homozygotes.

Submission:

GeneDx
Classification: Uncertain significance. Last evaluated: 2023-03-17. Review status: criteria provided, single submitter. Criteria: GeneDx Variant Classification Process June 2021. Collection method: clinical testing. Allele origin: germline. Affected: yes.
Comment: Not observed at significant frequency in large population cohorts (gnomAD); In silico analysis supports that this missense variant has a deleterious effect on protein structure/function; Has not been previously published as pathogenic or benign to our knowledge